The following is an entry in ClinVar:

ClinVar aggregate classification (germline): Likely benign (1 of 4 stars; one submission).

Allele frequency attached by ClinVar (database versions not stated): gnomAD exomes 0.00001 and 0.00003; ExAC 0.00002; gnomAD 0.00002 and 0.00003; TOPMed 0.00005; ESP Exome Variant Server 0.00008.

Submission:

CeGaT Center for Human Genetics Tuebingen
Classification: Likely benign. Last evaluated: 2026-03-01. Review status: criteria provided, single submitter. Criteria: CeGaT Center For Human Genetics Tuebingen Variant Classification Criteria Version 2. Collection method: clinical testing. Allele origin: germline. Affected: yes. Observed: 2 variant alleles.
Comment: POLR2A: BP4, BP7

NM_000937.5(POLR2A):c.2376C>T (p.Asn792=)

Genes: POLR2A (RNA polymerase II subunit A; plus strand), LOC126862481 (BRD4-independent group 4 enhancer GRCh37_chr17:7405086-7406285; plus strand). Cytogenetic location: 17p13.1.
Variant type: single nucleotide variant.
Coding change: c.2376C>T on transcript NM_000937.5 (MANE Select); coding-DNA position 2376, C replaced by T.
Protein change: p.Asn792=; no amino-acid change (asparagine 792 retained).
Molecular consequence: synonymous variant.
Genome position (GRCh38, 1-based): chr17:7,501,926, C>T. VCF-style: chr17-7501926-C-T. GRCh37 (hg19) VCF-style: chr17-7405245-C-T.
Identifiers: ClinVar variation 1694817 (VCV001694817.31), dbSNP rs373061795, ClinGen allele CA8349709.